The following is an entry in ClinVar:

NM_001370466.1(NOD2):c.1070T>A (p.Phe357Tyr)

Gene: NOD2 (nucleotide binding oligomerization domain containing 2; plus strand). Cytogenetic location: 16q12.1.
Variant type: single nucleotide variant.
Coding change: c.1070T>A on transcript NM_001370466.1 (MANE Select); coding-DNA position 1070, T replaced by A.
Protein change: p.Phe357Tyr; replaces phenylalanine 357 with tyrosine.
Molecular consequence: missense variant. On other transcripts: non-coding transcript variant (1).
Genome position (GRCh38, 1-based): chr16:50,711,062, T>A. VCF-style: chr16-50711062-T-A. GRCh37 (hg19) VCF-style: chr16-50744973-T-A.
Other names: c.1070T>A, p.Phe357Tyr (NM_001293557.2); c.1151T>A, p.Phe384Tyr (NM_022162.3); short protein forms F384Y, F357Y.
Identifiers: ClinVar variation 582342 (VCV000582342.9), dbSNP rs777343284, ClinGen allele CA8051476.
Genomic context (GRCh38, chr16:50,711,062, plus strand): 5'-TCCAGTTACTCCTTGACCACCCTGACCGTGTCCTGTTAACCTTTGATGGCTTTGACGAGT[T>A]CAAGTTCAGGTTCACGGATCGTGAACGCCACTGCTCCCCGACCGACCCCACCTCTGTCCA-3'
Protein context (NP_001357395.1, residues 347-367): VLLTFDGFDE[Phe357Tyr]KFRFTDRERH

ClinVar aggregate classification (germline): Uncertain significance (1 of 4 stars; one submission).

Conditions:
Blau syndrome (BLAUS). Also called: JABS SYNDROME; ARTHROCUTANEOUVEAL GRANULOMATOSIS; GRANULOMATOSIS, FAMILIAL JUVENILE SYSTEMIC; GRANULOMATOSIS, FAMILIAL, BLAU TYPE; GRANULOMATOUS INFLAMMATORY ARTHRITIS, DERMATITIS, AND UVEITIS, FAMILIAL. Identifiers: Orphanet 90340, MedGen C5201146, MONDO:0008523, OMIM 186580.
Regional enteritis. Also called: Enteritis, Granulomatous. Identifiers: MedGen C0678202, MeSH D003424.

Allele frequency attached by ClinVar (database versions not stated): gnomAD 0.00001; ExAC 0.00002; gnomAD exomes 0.00002 and 0.00004; TOPMed 0.00002.
gnomAD v4.1: 13 of 1,614,012 alleles (0.00081%); highest among the groups gnomAD compares: Admixed American, 0.022%; no homozygotes.

Submission:

Labcorp Genetics (formerly Invitae), Labcorp
Classification: Uncertain significance for Regional enteritis; Blau syndrome. Last evaluated: 2024-12-26. Review status: criteria provided, single submitter. Criteria: Invitae Variant Classification Sherloc (09022015). Collection method: clinical testing. Allele origin: germline.
Comment: This sequence change replaces phenylalanine, which is neutral and non-polar, with tyrosine, which is neutral and polar, at codon 384 of the NOD2 protein (p.Phe384Tyr). This variant is present in population databases (rs777343284, gnomAD 0.03%). This variant has not been reported in the literature in individuals affected with NOD2-related conditions. ClinVar contains an entry for this variant (Variation ID: 582342). Invitae Evidence Modeling of protein sequence and biophysical properties (such as structural, functional, and spatial information, amino acid conservation, physicochemical variation, residue mobility, and thermodynamic stability) has been performed for this missense variant. However, the output from this modeling did not meet the statistical confidence thresholds required to predict the impact of this variant on NOD2 protein function. In summary, the available evidence is currently insufficient to determine the role of this variant in disease. Therefore, it has been classified as a Variant of Uncertain Significance.